The following is an entry in ClinVar:

ClinVar aggregate classification (germline): Uncertain significance (1 of 4 stars; one submission).

Conditions:
Global developmental delay with speech and behavioral abnormalities. Identifiers: MedGen C5543226, MONDO:0030995, OMIM 619243.

gnomAD v4.1: 3 of 1,587,256 alleles (0.00019%); highest among the groups gnomAD compares: East Asian, 0.0023%; no homozygotes.

Submission:

Juno Genomics, Hangzhou Juno Genomics, Inc
Classification: Uncertain significance for Global developmental delay with speech and behavioral abnormalities. Review status: criteria provided, single submitter. Criteria: ACMG Guidelines, 2015. Collection method: clinical testing. Allele origin: germline.
Comment: Absent from controls (or at extremely low frequency if recessive) in Genome Aggregation Database.;Multiple lines of computational evidence support a deleterious effect on the gene or gene product.

NM_001162501.2(TNRC6B):c.2842G>A (p.Gly948Ser)

Gene: TNRC6B (trinucleotide repeat containing adaptor 6B; plus strand). Cytogenetic location: 22q13.1.
Variant type: single nucleotide variant.
Coding change: c.2842G>A on transcript NM_001162501.2 (MANE Select); coding-DNA position 2842, G replaced by A.
Protein change: p.Gly948Ser; replaces glycine 948 with serine.
Molecular consequence: missense variant. On other transcripts: intron variant (1).
Genome position (GRCh38, 1-based): chr22:40,270,157, G>A. VCF-style: chr22-40270157-G-A. GRCh37 (hg19) VCF-style: chr22-40666161-G-A.
Other names: c.601G>A, p.Gly201Ser (NM_001024843.2); c.2806+3121G>A (NM_015088.3); short protein forms G201S, G948S.
Identifiers: ClinVar variation 5018900 (VCV005018900.2).